The following is an entry in ClinVar:

NM_207037.2(TCF12):c.80T>A (p.Phe27Tyr)

Gene: TCF12 (transcription factor 12; plus strand). Cytogenetic location: 15q21.3.
Variant type: single nucleotide variant.
Coding change: c.80T>A on transcript NM_207037.2 (MANE Select); coding-DNA position 80, T replaced by A.
Protein change: p.Phe27Tyr; replaces phenylalanine 27 with tyrosine.
Molecular consequence: missense variant. On other transcripts: 5 prime UTR variant (3).
Genome position (GRCh38, 1-based): chr15:56,921,030, T>A. VCF-style: chr15-56921030-T-A. GRCh37 (hg19) VCF-style: chr15-57213228-T-A.
Other names: c.80T>A, p.Phe27Tyr (NM_001322151.2, NM_001322152.2, NM_001322157.3 and 8 more transcripts); c.-573T>A (NM_001322154.2); c.-157T>A (NM_001322156.2, NM_001322158.2); short protein forms F27Y.
Identifiers: ClinVar variation 2578219 (VCV002578219.1), dbSNP rs771702212, ClinGen allele CA7580715.

ClinVar aggregate classification (germline): Uncertain significance (1 of 4 stars; one submission).

Allele frequency attached by ClinVar (database versions not stated): ExAC 0.00001.

Submission:

GeneDx
Classification: Uncertain significance. Last evaluated: 2023-08-27. Review status: criteria provided, single submitter. Criteria: GeneDx Variant Classification Process June 2021. Collection method: clinical testing. Allele origin: germline. Affected: yes.
Comment: Not observed at significant frequency in large population cohorts (gnomAD); In silico analysis supports that this missense variant has a deleterious effect on protein structure/function; Has not been previously published as pathogenic or benign to our knowledge